The following is an entry in ClinVar:

NM_001394062.1(MACF1):c.9203A>G (p.Gln3068Arg)

Gene: MACF1 (microtubule actin crosslinking factor 1; plus strand). Cytogenetic location: 1p34.3.
Variant type: single nucleotide variant.
Coding change: c.9203A>G on transcript NM_001394062.1 (MANE Select); coding-DNA position 9203, A replaced by G.
Protein change: p.Gln3068Arg; replaces glutamine 3068 with arginine.
Molecular consequence: missense variant. On other transcripts: intron variant (1).
Genome position (GRCh38, 1-based): chr1:39,335,791, A>G. VCF-style: chr1-39335791-A-G. GRCh37 (hg19) VCF-style: chr1-39801463-A-G.
Other names: c.4629+8438A>G (NM_012090.5); short protein forms Q3068R.
Identifiers: ClinVar variation 5020279 (VCV005020279.1).

ClinVar aggregate classification (germline): Uncertain significance (1 of 4 stars; one submission).

Submission:

Dasa
Classification: Uncertain significance. Last evaluated: 2026-06-30. Review status: criteria provided, single submitter. Criteria: DASA Assertion Criteria. Collection method: clinical testing. Allele origin: germline.
Comment: NM_001394062.1(MACF1):c.9203A>G (p.Gln3068Arg) is a missense variant that results in the substitution of glutamine with arginine. This variant is rare in population databases. Computational prediction algorithms are consistent with a benign effect. The currently available literature and clinical evidence are not sufficient to establish a definitive association between this variant and the reported condition. Therefore, this variant is classified as a variant of uncertain significance.